The following is an entry in ClinVar:

NM_001142864.4(PIEZO1):c.1557+4A>T

Genes: HSALR1 (HSP90AB1 associated lncRNA 1; plus strand), PIEZO1 (piezo type mechanosensitive ion channel component 1 (Er blood group); minus strand). Cytogenetic location: 16q24.3.
Variant type: single nucleotide variant.
Coding change: c.1557+4A>T on transcript NM_001142864.4 (MANE Select); 4 bases into the intron after coding-DNA position 1557, A replaced by T.
Molecular consequence: intron variant.
Genome position (GRCh38, 1-based): chr16:88,736,144, T>A on the plus strand (A>T on the coding strand, the complement: PIEZO1 is on the minus strand). VCF-style: chr16-88736144-T-A. GRCh37 (hg19) VCF-style: chr16-88802552-T-A.
Identifiers: ClinVar variation 5019311 (VCV005019311.2).

ClinVar aggregate classification (germline): Uncertain significance (1 of 4 stars; one submission).

Conditions:
Blood group, ER (ER). Also called: ER BLOOD GROUP SYSTEM. Identifiers: MedGen C5703066, OMIM 620207.
Lymphatic malformation 6 (LMPHM6). Also called: GENERALIZED LYMPHATIC DYSPLASIA OF FOTIOU; PIEZO1-related generalized lymphatic dysplasia with non-immune hydrops fetalis; Lymphedema, hereditary, III. Identifiers: Orphanet 568062, MedGen C4225184, MONDO:0014797, OMIM 616843.
Dehydrated hereditary stomatocytosis with or without pseudohyperkalemia and/or perinatal edema (DHS1). Also called: Dehydrated hereditary stomatocytosis 1 with or without pseudohyperkalemia and/or perinatal edema; PSEUDOHYPERKALEMIA EDINBURGH; DEHYDRATED HEREDITARY STOMATOCYTOSIS AND PSEUDOHYPERKALEMIA; DEHYDRATED HEREDITARY STOMATOCYTOSIS WITH PSEUDOHYPERKALEMIA AND PERINATAL EDEMA; Pseudohyperkalemia, familial, 1, due to red cell leak. Identifiers: Orphanet 3202, MedGen C4551512, MONDO:0008689, OMIM 194380.

Submission:

Juno Genomics, Hangzhou Juno Genomics, Inc
Classification: Uncertain significance for Blood group, ER; Dehydrated hereditary stomatocytosis with or without pseudohyperkalemia and/or perinatal edema; Lymphatic malformation 6. Review status: criteria provided, single submitter. Criteria: ACMG Guidelines, 2015. Collection method: clinical testing. Allele origin: germline.
Comment: Absent from controls (or at extremely low frequency if recessive) in Genome Aggregation Database.;Multiple lines of computational evidence support a deleterious effect on the gene or gene product.